The following is an entry in ClinVar:

ClinVar aggregate classification (germline): Likely pathogenic (1 of 4 stars; one submission).

Conditions:
Bardet-Biedl syndrome 7 (BBS7). Identifiers: Orphanet 110, MedGen C1859565, MONDO:0014435, OMIM 615984.

Submission:

MVZ Praenatalmedizin und Genetik Nuernberg
Classification: Likely pathogenic for Bardet-Biedl syndrome 7. Last evaluated: 2026-05-21. Review status: criteria provided, single submitter. Criteria: ACMG Guidelines, 2015. Collection method: clinical testing. Allele origin: maternal. Affected: yes.
Comment: This variant could not be found in either the gnomAD database (v4.1.1) or the ClinVar database. However, in ClinVar many downstream stop and frameshift variants in this gene are listed as likely pathogenic or pathogenic, some of which are also located in exon 14 (e.g., VCV002027540.4, VCV001453288.7). The literature search yielded no additional information. Pathogenic variants in BBS7 lead to Bardet-Biedl syndrome via biallelic loss of function (PMID: 31283077). In summary, based on the current data, we assess this to be a likely pathogenic variant. The variant was detected to be in trans with another likely pathogenic variant in BBS7.

Literature cited by the submitters: PubMed 31283077.

NM_176824.3(BBS7):c.1465A>T (p.Lys489Ter)

Gene: BBS7 (Bardet-Biedl syndrome 7; minus strand). Cytogenetic location: 4q27.
Variant type: single nucleotide variant.
Coding change: c.1465A>T on transcript NM_176824.3 (MANE Select); coding-DNA position 1465, A replaced by T.
Protein change: p.Lys489Ter; replaces lysine 489 with a stop codon.
Molecular consequence: nonsense.
Genome position (GRCh38, 1-based): chr4:121,835,190, T>A on the plus strand (A>T on the coding strand, the complement: BBS7 is on the minus strand). VCF-style: chr4-121835190-T-A. GRCh37 (hg19) VCF-style: chr4-122756345-T-A.
Other names: c.1465A>T, p.Lys489Ter (NM_018190.4); short protein forms K489*.
Identifiers: ClinVar variation 4888431 (VCV004888431.1).
Genomic context (GRCh38, chr4:121,835,190, plus strand): 5'-TTCCTTTGTCCTACCTGTCATGATCAATAAAGTGAGTTCTTTGATGGAGTGAAAGAGGTT[T>A]GATGTGGTACTGGCGGACCTGACAGGTTTTGGGTTGAATTCTTGGAGTCACATATGCTTG-3'